The following is an entry in ClinVar:

NM_001205293.3(CACNA1E):c.1396C>T (p.Arg466Cys)

Gene: CACNA1E (calcium voltage-gated channel subunit alpha1 E; plus strand). Cytogenetic location: 1q25.3.
Variant type: single nucleotide variant.
Coding change: c.1396C>T on transcript NM_001205293.3 (MANE Select); coding-DNA position 1396, C replaced by T.
Protein change: p.Arg466Cys; replaces arginine 466 with cysteine.
Molecular consequence: missense variant.
Genome position (GRCh38, 1-based): chr1:181,717,173, C>T. VCF-style: chr1-181717173-C-T. GRCh37 (hg19) VCF-style: chr1-181686309-C-T.
Other names: c.1396C>T, p.Arg466Cys (NM_000721.4, NM_001205294.2); short protein forms R466C.
Identifiers: ClinVar variation 4708023 (VCV004708023.1).
Genomic context (GRCh38, chr1:181,717,173, plus strand): 5'-AGTATCAAAAGTGCAAAGGTAGACGGGGTCTCTTATTTCCGGCACAAGGAAAGGCTTCTG[C>T]GCATCTCCATTCGCCACATGGTTAAATCCCAGGTGTTTTACTGGATTGTGCTGAGCCTTG-3'
Protein context (NP_001192222.1, residues 456-476): SYFRHKERLL[Arg466Cys]ISIRHMVKSQ

ClinVar aggregate classification (germline): Uncertain significance (1 of 4 stars; one submission).

gnomAD v4.1: 2 of 1,613,998 alleles (0.00012%); highest among the groups gnomAD compares: South Asian, 0.0011%; no homozygotes.

Submission:

Labcorp Genetics (formerly Invitae), Labcorp
Classification: Uncertain significance. Last evaluated: 2025-07-08. Review status: criteria provided, single submitter. Criteria: Invitae Variant Classification Sherloc (09022015). Collection method: clinical testing. Allele origin: germline.
Comment: This sequence change replaces arginine, which is basic and polar, with cysteine, which is neutral and slightly polar, at codon 466 of the CACNA1E protein (p.Arg466Cys). This variant is not present in population databases (gnomAD no frequency). This variant has not been reported in the literature in individuals affected with CACNA1E-related conditions. Invitae Evidence Modeling of protein sequence and biophysical properties (such as structural, functional, and spatial information, amino acid conservation, physicochemical variation, residue mobility, and thermodynamic stability) has been performed for this missense variant. However, the output from this modeling did not meet the statistical confidence thresholds required to predict the impact of this variant on CACNA1E protein function. In summary, the available evidence is currently insufficient to determine the role of this variant in disease. Therefore, it has been classified as a Variant of Uncertain Significance.